The following is an entry in ClinVar:

ClinVar aggregate classification (germline): Likely benign. Review status: criteria provided, multiple submitters, no conflicts (2 of 4 stars). 2 submissions from 2 submitters: Likely benign (2). Last evaluated 2025-08-22.

Conditions:
LRIT3-related disorder. Also called: LRIT3-related condition.

gnomAD v4.1: 5 of 1,614,040 alleles (0.00031%); highest among the groups gnomAD compares: African/African-American, 0.0053%; no homozygotes.

Submissions (2):

PreventionGenetics, part of Exact Sciences
Classification: Likely benign for LRIT3-related condition. Last evaluated: 2025-08-22. Review status: criteria provided, single submitter. Criteria: ACMG Guidelines, 2015. Collection method: clinical testing. Allele origin: germline.
Comment: This variant is classified as likely benign based on ACMG/AMP sequence variant interpretation guidelines (Richards et al. 2015 PMID: 25741868, with internal and published modifications).

Labcorp Genetics (formerly Invitae), Labcorp
Classification: Likely benign. Last evaluated: 2024-11-05. Review status: criteria provided, single submitter. Criteria: Invitae Variant Classification Sherloc (09022015). Collection method: clinical testing. Allele origin: germline.

NM_198506.5(LRIT3):c.1131A>T (p.Thr377=)

Gene: LRIT3 (leucine rich repeat, Ig-like and transmembrane domains 3; plus strand). Cytogenetic location: 4q25.
Variant type: single nucleotide variant.
Coding change: c.1131A>T on transcript NM_198506.5 (MANE Select); coding-DNA position 1131, A replaced by T.
Protein change: p.Thr377=; no amino-acid change (threonine 377 retained).
Molecular consequence: synonymous variant.
Genome position (GRCh38, 1-based): chr4:109,869,880, A>T. VCF-style: chr4-109869880-A-T. GRCh37 (hg19) VCF-style: chr4-110791036-A-T.
Other names: c.1131A>T (NM_198506.4).
Identifiers: ClinVar variation 2417449 (VCV002417449.8), dbSNP rs747984845, ClinGen allele CA103712085.